The following is an entry in ClinVar:

ClinVar aggregate classification (germline): Uncertain significance (1 of 4 stars; one submission).

Conditions:
Primary ciliary dyskinesia 6. Also called: Primary Ciliary Dyskinesia 6: TXNDC3-Related Primary Ciliary Dyskinesia. Identifiers: Orphanet 244, MedGen C1970506, MONDO:0012571, OMIM 610852.

Allele frequency attached by ClinVar (database versions not stated): gnomAD 0.00001; TOPMed 0.00002; ExAC 0.00003; gnomAD exomes 0.00003.
gnomAD v4.1: 24 of 1,612,858 alleles (0.0015%); highest among the groups gnomAD compares: Admixed American, 0.017%; no homozygotes.

Submission:

Labcorp Genetics (formerly Invitae), Labcorp
Classification: Uncertain significance for Primary ciliary dyskinesia 6. Last evaluated: 2024-10-21. Review status: criteria provided, single submitter. Criteria: Invitae Variant Classification Sherloc (09022015). Collection method: clinical testing. Allele origin: germline.
Comment: This sequence change replaces phenylalanine, which is neutral and non-polar, with leucine, which is neutral and non-polar, at codon 307 of the NME8 protein (p.Phe307Leu). This variant is present in population databases (rs746954043, gnomAD 0.03%). This variant has not been reported in the literature in individuals affected with NME8-related conditions. ClinVar contains an entry for this variant (Variation ID: 1422969). Invitae Evidence Modeling of protein sequence and biophysical properties (such as structural, functional, and spatial information, amino acid conservation, physicochemical variation, residue mobility, and thermodynamic stability) indicates that this missense variant is not expected to disrupt NME8 protein function with a negative predictive value of 80%. In summary, the available evidence is currently insufficient to determine the role of this variant in disease. Therefore, it has been classified as a Variant of Uncertain Significance.

NM_016616.5(NME8):c.921T>A (p.Phe307Leu)

Gene: NME8 (NME/NM23 family member 8; plus strand). Cytogenetic location: 7p14.1.
Variant type: single nucleotide variant.
Coding change: c.921T>A on transcript NM_016616.5 (MANE Select); coding-DNA position 921, T replaced by A.
Protein change: p.Phe307Leu; replaces phenylalanine 307 with leucine.
Molecular consequence: missense variant.
Genome position (GRCh38, 1-based): chr7:37,876,934, T>A. VCF-style: chr7-37876934-T-A. GRCh37 (hg19) VCF-style: chr7-37916536-T-A.
Other names: short protein forms F307L.
Identifiers: ClinVar variation 1422969 (VCV001422969.8), dbSNP rs746954043, ClinGen allele CA4222366.